The following is an entry in ClinVar:

NM_001366110.1(PAX4):c.58C>G (p.Arg20Gly)

Gene: PAX4 (paired box 4; minus strand). Cytogenetic location: 7q32.1.
Variant type: single nucleotide variant.
Coding change: c.58C>G on transcript NM_001366110.1 (MANE Select); coding-DNA position 58, C replaced by G.
Protein change: p.Arg20Gly; replaces arginine 20 with glycine.
Molecular consequence: missense variant.
Genome position (GRCh38, 1-based): chr7:127,615,487, G>C on the plus strand (C>G on the coding strand, the complement: PAX4 is on the minus strand). VCF-style: chr7-127615487-G-C. GRCh37 (hg19) VCF-style: chr7-127255541-G-C.
Other names: c.58C>G, p.Arg20Gly (NM_001366111.1); short protein forms R20G.
Identifiers: ClinVar variation 1394523 (VCV001394523.6), dbSNP rs149708455, ClinGen allele CA369179246.

ClinVar aggregate classification (germline): Uncertain significance (1 of 4 stars; one submission).

gnomAD v4.1: 2 of 1,614,056 alleles (0.00012%); highest among the groups gnomAD compares: Non-Finnish European, 0.00017%; no homozygotes.

Submission:

Labcorp Genetics (formerly Invitae), Labcorp
Classification: Uncertain significance. Last evaluated: 2024-10-26. Review status: criteria provided, single submitter. Criteria: Invitae Variant Classification Sherloc (09022015). Collection method: clinical testing. Allele origin: germline.
Comment: This sequence change replaces arginine, which is basic and polar, with glycine, which is neutral and non-polar, at codon 12 of the PAX4 protein (p.Arg12Gly). This variant is present in population databases (no rsID available, gnomAD 0.0009%). This variant has not been reported in the literature in individuals affected with PAX4-related conditions. ClinVar contains an entry for this variant (Variation ID: 1394523). An algorithm developed to predict the effect of missense changes on protein structure and function (PolyPhen-2) suggests that this variant is likely to be disruptive. In summary, the available evidence is currently insufficient to determine the role of this variant in disease. Therefore, it has been classified as a Variant of Uncertain Significance.